The following is an entry in ClinVar:

ClinVar aggregate classification (germline): Uncertain significance. Review status: criteria provided, multiple submitters, no conflicts (2 of 4 stars). 3 submissions from 3 submitters: Uncertain significance (3). Last evaluated 2025-06-12.

Conditions:
Inborn genetic diseases. Identifiers: MedGen C0950123, MeSH D030342.

Allele frequency attached by ClinVar (database versions not stated): gnomAD 0.00001 and 0.00003; gnomAD exomes 0.00001 and 0.00003; TOPMed 0.00003; ExAC 0.00004; 1000 Genomes Project 30x 0.00031; 1000 Genomes Project 0.00040.
gnomAD v4.1: 24 of 1,614,134 alleles (0.0015%); highest among the groups gnomAD compares: Middle Eastern, 0.033%; 1 homozygote.

Submissions (3):

Labcorp Genetics (formerly Invitae), Labcorp
Classification: Uncertain significance. Last evaluated: 2025-06-12. Review status: criteria provided, single submitter. Criteria: Invitae Variant Classification Sherloc (09022015). Collection method: clinical testing. Allele origin: germline.
Comment: This sequence change replaces alanine, which is neutral and non-polar, with valine, which is neutral and non-polar, at codon 1029 of the FREM2 protein (p.Ala1029Val). This variant is present in population databases (rs200459256, gnomAD 0.006%). This variant has not been reported in the literature in individuals affected with FREM2-related conditions. ClinVar contains an entry for this variant (Variation ID: 1319613). Invitae Evidence Modeling of protein sequence and biophysical properties (such as structural, functional, and spatial information, amino acid conservation, physicochemical variation, residue mobility, and thermodynamic stability) indicates that this missense variant is not expected to disrupt FREM2 protein function with a negative predictive value of 80%. In summary, the available evidence is currently insufficient to determine the role of this variant in disease. Therefore, it has been classified as a Variant of Uncertain Significance.

Ambry Genetics
Classification: Uncertain significance for Inborn genetic diseases. Last evaluated: 2024-09-08. Review status: criteria provided, single submitter. Criteria: Ambry Variant Classification Scheme 2023. Collection method: clinical testing. Allele origin: germline.

Institute for Clinical Genetics, University Hospital TU Dresden, University Hospital TU Dresden
Classification: Uncertain significance. Last evaluated: 2021-11-03. Review status: criteria provided, single submitter. Criteria: ACMG Guidelines, 2015. Collection method: clinical testing. Allele origin: germline.

NM_207361.6(FREM2):c.3086C>T (p.Ala1029Val)

Gene: FREM2 (FRAS1 related extracellular matrix 2; plus strand). Cytogenetic location: 13q13.3.
Variant type: single nucleotide variant.
Coding change: c.3086C>T on transcript NM_207361.6 (MANE Select); coding-DNA position 3086, C replaced by T.
Protein change: p.Ala1029Val; replaces alanine 1029 with valine.
Molecular consequence: missense variant.
Genome position (GRCh38, 1-based): chr13:38,690,430, C>T. VCF-style: chr13-38690430-C-T. GRCh37 (hg19) VCF-style: chr13-39264567-C-T.
Other names: short protein forms A1029V.
Identifiers: ClinVar variation 1319613 (VCV001319613.6), dbSNP rs200459256, ClinGen allele CA6954728.
Genomic context (GRCh38, chr13:38,690,430, plus strand): 5'-TCTTGGAGGGCTCTGTTGTATATACCCACACCAGTGGTGAGATAGGCCTATTGCCTAAAG[C>T]GGATTCTTTTAACCTGAGTCTGTCAGATATGTCTCAAGAATGGAGAATTGGTGGCAATAC-3'
Protein context (NP_997244.4, residues 1019-1039): TSGEIGLLPK[Ala1029Val]DSFNLSLSDM